The following is an entry in ClinVar:

NM_033004.4(NLRP1):c.3140G>T (p.Ser1047Ile)

Gene: NLRP1 (NLR family pyrin domain containing 1; minus strand). Cytogenetic location: 17p13.2.
Variant type: single nucleotide variant.
Coding change: c.3140G>T on transcript NM_033004.4 (MANE Select); coding-DNA position 3140, G replaced by T.
Protein change: p.Ser1047Ile; replaces serine 1047 with isoleucine.
Molecular consequence: missense variant.
Genome position (GRCh38, 1-based): chr17:5,532,978, C>A on the plus strand (G>T on the coding strand, the complement: NLRP1 is on the minus strand). VCF-style: chr17-5532978-C-A. GRCh37 (hg19) VCF-style: chr17-5436298-C-A.
Other names: c.3152G>T, p.Ser1051Ile (NM_001033053.3); c.3140G>T, p.Ser1047Ile (NM_014922.5); c.3050G>T, p.Ser1017Ile (NM_033006.4, NM_033007.4); short protein forms S1017I, S1047I, S1051I.
Identifiers: ClinVar variation 1461064 (VCV001461064.8), dbSNP rs780053090, ClinGen allele CA8326916.

ClinVar aggregate classification (germline): Uncertain significance (1 of 4 stars; one submission).

Allele frequency attached by ClinVar (database versions not stated): ExAC 0.00001; gnomAD exomes 0.00001.
gnomAD v4.1: 3 of 1,611,304 alleles (0.00019%); highest among the groups gnomAD compares: South Asian, 0.0011%; no homozygotes.

Submission:

Labcorp Genetics (formerly Invitae), Labcorp
Classification: Uncertain significance. Last evaluated: 2023-11-25. Review status: criteria provided, single submitter. Criteria: Invitae Variant Classification Sherloc (09022015). Collection method: clinical testing. Allele origin: germline.
Comment: This sequence change replaces serine, which is neutral and polar, with isoleucine, which is neutral and non-polar, at codon 1047 of the NLRP1 protein (p.Ser1047Ile). This variant is not present in population databases (gnomAD no frequency). This variant has not been reported in the literature in individuals affected with NLRP1-related conditions. ClinVar contains an entry for this variant (Variation ID: 1461064). An algorithm developed to predict the effect of missense changes on protein structure and function (PolyPhen-2) suggests that this variant is likely to be tolerated. In summary, the available evidence is currently insufficient to determine the role of this variant in disease. Therefore, it has been classified as a Variant of Uncertain Significance.